The following is an entry in ClinVar:

ClinVar aggregate classification (germline): Likely benign (1 of 4 stars; one submission).

Allele frequency attached by ClinVar (database versions not stated): 1000 Genomes Project 0.00659; 1000 Genomes Project 30x 0.00671; gnomAD 0.00803 and 0.00811; TOPMed 0.00808.
gnomAD v4.1: 1,220 of 151,862 alleles (0.8%); highest among the groups gnomAD compares: Middle Eastern, 2%; 6 homozygotes.

Submission:

GeneDx
Classification: Likely benign. Last evaluated: 2018-06-16. Review status: criteria provided, single submitter. Criteria: GeneDx Variant Classification (06012015). Collection method: clinical testing. Allele origin: germline. Affected: yes.
Comment: This variant is considered likely benign or benign based on one or more of the following criteria: it is a conservative change, it occurs at a poorly conserved position in the protein, it is predicted to be benign by multiple in silico algorithms, and/or has population frequency not consistent with disease.

NM_182961.4(SYNE1):c.22191+169C>A

Gene: SYNE1 (spectrin repeat containing nuclear envelope protein 1; minus strand). Cytogenetic location: 6q25.2.
Variant type: single nucleotide variant.
Coding change: c.22191+169C>A on transcript NM_182961.4 (MANE Select); 169 bases into the intron after coding-DNA position 22191, C replaced by A.
Molecular consequence: intron variant.
Genome position (GRCh38, 1-based): chr6:152,218,088, G>T on the plus strand (C>A on the coding strand, the complement: SYNE1 is on the minus strand). VCF-style: chr6-152218088-G-T. GRCh37 (hg19) VCF-style: chr6-152539223-G-T.
Other names: c.21978+169C>A (NM_033071.5).
Identifiers: ClinVar variation 674786 (VCV000674786.1), dbSNP rs71575921, ClinGen allele CA150180007.